The following is an entry in ClinVar:

NM_015978.3(TNNI3K):c.2121+5G>A

Genes: FPGT-TNNI3K (FPGT-TNNI3K readthrough; plus strand), TNNI3K (TNNI3 interacting kinase; plus strand). Cytogenetic location: 1p31.1.
Variant type: single nucleotide variant.
Coding change: c.2121+5G>A on transcript NM_015978.3 (MANE Select); 5 bases into the intron after coding-DNA position 2121, G replaced by A.
Molecular consequence: intron variant.
Genome position (GRCh38, 1-based): chr1:74,463,555, G>A. VCF-style: chr1-74463555-G-A. GRCh37 (hg19) VCF-style: chr1-74929239-G-A.
Other names: c.2424+5G>A (NM_001112808.3, NM_001199327.2).
Identifiers: ClinVar variation 4725556 (VCV004725556.1).

ClinVar aggregate classification (germline): Uncertain significance (1 of 4 stars; one submission).

gnomAD v4.1: 2 of 1,613,960 alleles (0.00012%); highest among the groups gnomAD compares: Non-Finnish European, 0.00017%; no homozygotes.

Submission:

Labcorp Genetics (formerly Invitae), Labcorp
Classification: Uncertain significance. Last evaluated: 2026-01-11. Review status: criteria provided, single submitter. Criteria: Invitae Variant Classification Sherloc (09022015). Collection method: clinical testing. Allele origin: germline.
Comment: This sequence change falls in intron 21 of the TNNI3K gene. It does not directly change the encoded amino acid sequence of the TNNI3K protein. It affects a nucleotide within the consensus splice site. This variant is not present in population databases (gnomAD no frequency). This variant has not been reported in the literature in individuals affected with TNNI3K-related conditions. Variants that disrupt the consensus splice site are a relatively common cause of aberrant splicing (PMID: 17576681, 9536098). Algorithms developed to predict the effect of sequence changes on RNA splicing suggest that this variant may disrupt the consensus splice site. In summary, the available evidence is currently insufficient to determine the role of this variant in disease. Therefore, it has been classified as a Variant of Uncertain Significance.

Literature cited by the submitters: PubMed 17576681; PubMed 9536098.